The following is an entry in ClinVar:

NM_182914.3(SYNE2):c.8634G>A (p.Glu2878=)

Gene: SYNE2 (spectrin repeat containing nuclear envelope protein 2; plus strand). Cytogenetic location: 14q23.2.
Variant type: single nucleotide variant.
Coding change: c.8634G>A on transcript NM_182914.3 (MANE Select); coding-DNA position 8634, G replaced by A.
Protein change: p.Glu2878=; no amino-acid change (glutamic acid 2878 retained).
Molecular consequence: synonymous variant.
Genome position (GRCh38, 1-based): chr14:64,052,547, G>A. VCF-style: chr14-64052547-G-A. GRCh37 (hg19) VCF-style: chr14-64519265-G-A.
Other names: c.8634G>A, p.Glu2878= (NM_015180.6).
Identifiers: ClinVar variation 5040712 (VCV005040712.1).

ClinVar aggregate classification (germline): Likely benign (1 of 4 stars; one submission).

gnomAD v4.1: 3 of 1,614,052 alleles (0.00019%); highest among the groups gnomAD compares: Non-Finnish European, 0.00025%; no homozygotes.

Submission:

CeGaT Center for Human Genetics Tuebingen
Classification: Likely benign. Last evaluated: 2026-09-01. Review status: criteria provided, single submitter. Criteria: CeGaT Center For Human Genetics Tuebingen Variant Classification Criteria Version 2. Collection method: clinical testing. Allele origin: germline. Affected: yes. Observed: 1 variant allele.
Comment: SYNE2: BP4, BP7